The following is an entry in ClinVar:

ClinVar aggregate classification (germline): Pathogenic (1 of 4 stars; one submission).

Conditions:
Arrhythmogenic right ventricular dysplasia 8 (ARVD8). Also called: Arrhythmogenic Right Ventricular Dysplasia/Cardiomyopathy 8; ARRHYTHMOGENIC RIGHT VENTRICULAR DYSPLASIA, FAMILIAL, 8; ARRHYTHMOGENIC RIGHT VENTRICULAR CARDIOMYOPATHY 8. Identifiers: MedGen C1843896, MONDO:0011831, OMIM 607450.
Arrhythmogenic cardiomyopathy with wooly hair and keratoderma. Also called: PALMOPLANTAR KERATODERMA WITH LEFT VENTRICULAR CARDIOMYOPATHY AND WOOLLY HAIR; Arrhythmogenic cardiomyopathy with woolly hair and keratoderma; Carvajal syndrome; Dilated cardiomyopathy with woolly hair and keratoderma. Identifiers: Orphanet 65282, MedGen C1854063, MONDO:0011581, OMIM 605676.

Submission:

Labcorp Genetics (formerly Invitae), Labcorp
Classification: Pathogenic for Arrhythmogenic cardiomyopathy with wooly hair and keratoderma; Arrhythmogenic right ventricular dysplasia 8. Last evaluated: 2025-01-27. Review status: criteria provided, single submitter. Criteria: Invitae Variant Classification Sherloc (09022015). Collection method: clinical testing. Allele origin: germline.
Comment: This sequence change creates a premature translational stop signal (p.Leu1580*) in the DSP gene. It is expected to result in an absent or disrupted protein product. Loss-of-function variants in DSP are known to be pathogenic (PMID: 20716751, 24503780, 25227139). This variant is not present in population databases (gnomAD no frequency). This variant has not been reported in the literature in individuals affected with DSP-related conditions. For these reasons, this variant has been classified as Pathogenic.

Literature cited by the submitters: PubMed 20716751; PubMed 24503780; PubMed 25227139.

NM_004415.4(DSP):c.4737del (p.Arg1579_Leu1580insTer)

Gene: DSP (desmoplakin; plus strand). Cytogenetic location: 6p24.3.
Variant type: Deletion.
Coding change: c.4737del on transcript NM_004415.4 (MANE Select); coding-DNA position 4737, one base deleted (G; older notation c.4737delG).
Protein change: p.Arg1579_Leu1580insTer.
Molecular consequence: frameshift variant. On other transcripts: intron variant (2).
Genome position (GRCh38, 1-based): chr6:7,580,927, G deleted; the last of 2 consecutive G bases (chr6:7,580,926-7,580,927); deleting either gives the same sequence. VCF-style (leftmost placement, unchanged base first): chr6-7580925-CG-C. GRCh37 (hg19) VCF-style: chr6-7581158-CG-C.
Other names: c.4050+687del (NM_001319034.2); c.3582+1155del (NM_001008844.3).
Identifiers: ClinVar variation 4784000 (VCV004784000.1).
Genomic context (GRCh38, chr6:7,580,925, plus strand): 5'-TTCCAGAACTCTCTGAAAGAGCTGCAGCTGCAGAAGCAGAAGGTGGAAGAGGAGCTGAAT[CG>C]GCTGAAGAGGACCGCGTCAGAAGACTCCTGCAAGAGGAAGAAGCTGGAGGAAGAGCTGGA-3'